The following is an entry in ClinVar:

NM_001437.3(ESR2):c.1036C>T (p.Arg346Cys)

Gene: ESR2 (estrogen receptor 2; minus strand). Cytogenetic location: 14q23.2.
Variant type: single nucleotide variant.
Coding change: c.1036C>T on transcript NM_001437.3 (MANE Select); coding-DNA position 1036, C replaced by T.
Protein change: p.Arg346Cys; replaces arginine 346 with cysteine.
Molecular consequence: missense variant. On other transcripts: non-coding transcript variant (1), intron variant (1).
Genome position (GRCh38, 1-based): chr14:64,257,281, G>A on the plus strand (C>T on the coding strand, the complement: ESR2 is on the minus strand). VCF-style: chr14-64257281-G-A. GRCh37 (hg19) VCF-style: chr14-64723999-G-A.
Other names: c.1036C>T, p.Arg346Cys (NM_001040275.1, NM_001214902.1, NM_001271876.1 and 2 more transcripts); c.952+3168C>T (NM_001271877.1); c.1036C>T (NM_001437.2); short protein forms R346C.
Identifiers: ClinVar variation 2421550 (VCV002421550.6), dbSNP rs200264592, ClinGen allele CA7225336.
Genomic context (GRCh38, chr14:64,257,281, plus strand): 5'-CTCACCTGTCCAGAACAAGATCTGGAGCAAAGATGAGCTTGCCGGGGTGGTCAATTGAGC[G>A]CCACATCAGCCCCATCATTAACACCTCCATCCAACAGCTCTCCAAGAGCCGCACTTGGTC-3'
Protein context (NP_001428.1, residues 336-356): MEVLMMGLMW[Arg346Cys]SIDHPGKLIF

ClinVar aggregate classification (germline): Uncertain significance. Review status: criteria provided, multiple submitters, no conflicts (2 of 4 stars). 2 submissions from 2 submitters: Uncertain significance (2). Last evaluated 2025-09-15.

Allele frequency attached by ClinVar (database versions not stated): ExAC 0.00001; gnomAD exomes 0.00001; TOPMed 0.00002; gnomAD 0.00003; 1000 Genomes Project 0.00020; 1000 Genomes Project 30x 0.00031.
gnomAD v4.1: 19 of 1,614,088 alleles (0.0012%); highest among the groups gnomAD compares: Admixed American, 0.0017%; no homozygotes.

Submissions (2):

Labcorp Genetics (formerly Invitae), Labcorp
Classification: Uncertain significance. Last evaluated: 2025-09-15. Review status: criteria provided, single submitter. Criteria: Invitae Variant Classification Sherloc (09022015). Collection method: clinical testing. Allele origin: germline.
Comment: This sequence change replaces arginine, which is basic and polar, with cysteine, which is neutral and slightly polar, at codon 346 of the ESR2 protein (p.Arg346Cys). This variant is present in population databases (rs200264592, gnomAD 0.005%). This variant has not been reported in the literature in individuals affected with ESR2-related conditions. ClinVar contains an entry for this variant (Variation ID: 2421550). Invitae Evidence Modeling of protein sequence and biophysical properties (such as structural, functional, and spatial information, amino acid conservation, physicochemical variation, residue mobility, and thermodynamic stability) has been performed for this missense variant. However, the output from this modeling did not meet the statistical confidence thresholds required to predict the impact of this variant on ESR2 protein function. In summary, the available evidence is currently insufficient to determine the role of this variant in disease. Therefore, it has been classified as a Variant of Uncertain Significance.

Ambry Genetics
Classification: Uncertain significance. Last evaluated: 2025-08-23. Review status: criteria provided, single submitter. Criteria: Ambry Variant Classification Scheme 2023. Collection method: clinical testing. Allele origin: germline.